The following is an entry in ClinVar:

ClinVar aggregate classification (germline): Uncertain significance. Review status: criteria provided, multiple submitters, no conflicts (2 of 4 stars). 2 submissions from 2 submitters: Uncertain significance (2). Last evaluated 2026-01-27.

Allele frequency attached by ClinVar (database versions not stated): TOPMed below 0.00001; ExAC 0.00001; gnomAD exomes 0.00003.
gnomAD v4.1: 43 of 1,614,170 alleles (0.0027%); highest among the groups gnomAD compares: Non-Finnish European, 0.0035%; no homozygotes.

Submissions (2):

Labcorp Genetics (formerly Invitae), Labcorp
Classification: Uncertain significance. Last evaluated: 2026-01-27. Review status: criteria provided, single submitter. Criteria: Invitae Variant Classification Sherloc (09022015). Collection method: clinical testing. Allele origin: germline.
Comment: This sequence change replaces glutamic acid, which is acidic and polar, with lysine, which is basic and polar, at codon 440 of the CARD8 protein (p.Glu440Lys). This variant is present in population databases (rs749876926, gnomAD 0.007%). This variant has not been reported in the literature in individuals affected with CARD8-related conditions. ClinVar contains an entry for this variant (Variation ID: 2316224). An algorithm developed to predict the effect of missense changes on protein structure and function (PolyPhen-2) suggests that this variant is likely to be disruptive. In summary, the available evidence is currently insufficient to determine the role of this variant in disease. Therefore, it has been classified as a Variant of Uncertain Significance.

Ambry Genetics
Classification: Uncertain significance. Last evaluated: 2022-10-04. Review status: criteria provided, single submitter. Criteria: Ambry Variant Classification Scheme 2023. Collection method: clinical testing. Allele origin: germline.

NM_001184900.3(CARD8):c.1468G>A (p.Glu490Lys)

Gene: CARD8 (caspase recruitment domain family member 8; minus strand). Cytogenetic location: 19q13.33.
Variant type: single nucleotide variant.
Coding change: c.1468G>A on transcript NM_001184900.3 (MANE Select); coding-DNA position 1468, G replaced by A.
Protein change: p.Glu490Lys; replaces glutamic acid 490 with lysine.
Molecular consequence: missense variant. On other transcripts: 3 prime UTR variant (7), non-coding transcript variant (3), intron variant (1).
Genome position (GRCh38, 1-based): chr19:48,211,856, C>T on the plus strand (G>A on the coding strand, the complement: CARD8 is on the minus strand). VCF-style: chr19-48211856-C-T. GRCh37 (hg19) VCF-style: chr19-48715113-C-T.
Other names: c.1318G>A, p.Glu440Lys (NM_001184901.1, NM_001351783.2, NM_014959.5); c.*147G>A (NM_001184902.2, NM_001184903.1, NM_001351788.2 and 4 more transcripts); c.1468G>A, p.Glu490Lys (NM_001351782.2); c.1153G>A, p.Glu385Lys (NM_001351784.2); c.1132G>A, p.Glu378Lys (NM_001351786.2); c.1033+3484G>A (NM_001351787.2); c.1150G>A, p.Glu384Lys (NM_001365950.1); short protein forms E378K, E384K, E440K, E385K, E490K.
Identifiers: ClinVar variation 2316224 (VCV002316224.5), dbSNP rs749876926, ClinGen allele CA9547685.